The following is an entry in ClinVar:

NM_017636.4(TRPM4):c.770T>C (p.Ile257Thr)

Gene: TRPM4 (transient receptor potential cation channel subfamily M member 4; plus strand). Cytogenetic location: 19q13.33.
Variant type: single nucleotide variant.
Coding change: c.770T>C on transcript NM_017636.4 (MANE Select); coding-DNA position 770, T replaced by C.
Protein change: p.Ile257Thr; replaces isoleucine 257 with threonine.
Molecular consequence: missense variant. On other transcripts: 5 prime UTR variant (2).
Genome position (GRCh38, 1-based): chr19:49,168,710, T>C. VCF-style: chr19-49168710-T-C. GRCh37 (hg19) VCF-style: chr19-49671967-T-C.
Other names: c.770T>C, p.Ile257Thr (NM_001195227.2); c.425T>C, p.Ile142Thr (NM_001321281.2); c.-784T>C (NM_001321282.2); c.248T>C, p.Ile83Thr (NM_001321283.2); c.-80T>C (NM_001321285.2); short protein forms I142T, I257T, I83T.
Identifiers: ClinVar variation 3649878 (VCV003649878.2).

ClinVar aggregate classification (germline): Uncertain significance (1 of 4 stars; one submission).

Conditions:
Progressive familial heart block type IB (PFHB1B). Identifiers: Orphanet 871, MedGen C1970298, MONDO:0011474, OMIM 604559.

Submission:

Labcorp Genetics (formerly Invitae), Labcorp
Classification: Uncertain significance for Progressive familial heart block type IB. Last evaluated: 2024-04-22. Review status: criteria provided, single submitter. Criteria: Invitae Variant Classification Sherloc (09022015). Collection method: clinical testing. Allele origin: germline.
Comment: This sequence change replaces isoleucine, which is neutral and non-polar, with threonine, which is neutral and polar, at codon 257 of the TRPM4 protein (p.Ile257Thr). This variant is not present in population databases (gnomAD no frequency). This variant has not been reported in the literature in individuals affected with TRPM4-related conditions. An algorithm developed to predict the effect of missense changes on protein structure and function (PolyPhen-2) suggests that this variant is likely to be disruptive. In summary, the available evidence is currently insufficient to determine the role of this variant in disease. Therefore, it has been classified as a Variant of Uncertain Significance.